The following is an entry in ClinVar:

NM_001201543.2(FAM161A):c.1441G>C (p.Glu481Gln)

Gene: FAM161A (FAM161 centrosomal protein A; minus strand). Cytogenetic location: 2p15.
Variant type: single nucleotide variant.
Coding change: c.1441G>C on transcript NM_001201543.2 (MANE Select); coding-DNA position 1441, G replaced by C.
Protein change: p.Glu481Gln; replaces glutamic acid 481 with glutamine.
Molecular consequence: missense variant. On other transcripts: non-coding transcript variant (1).
Genome position (GRCh38, 1-based): chr2:61,839,563, C>G on the plus strand (G>C on the coding strand, the complement: FAM161A is on the minus strand). VCF-style: chr2-61839563-C-G. GRCh37 (hg19) VCF-style: chr2-62066698-C-G.
Other names: c.1441G>C, p.Glu481Gln (NM_032180.3); short protein forms E481Q.
Identifiers: ClinVar variation 2113825 (VCV002113825.4), dbSNP rs727503924, ClinGen allele CA346986514.

ClinVar aggregate classification (germline): Uncertain significance (1 of 4 stars; one submission).

Submission:

Labcorp Genetics (formerly Invitae), Labcorp
Classification: Uncertain significance. Last evaluated: 2022-11-15. Review status: criteria provided, single submitter. Criteria: Invitae Variant Classification Sherloc (09022015). Collection method: clinical testing. Allele origin: germline.
Comment: In summary, the available evidence is currently insufficient to determine the role of this variant in disease. Therefore, it has been classified as a Variant of Uncertain Significance. Advanced modeling of protein sequence and biophysical properties (such as structural, functional, and spatial information, amino acid conservation, physicochemical variation, residue mobility, and thermodynamic stability) has been performed at Invitae for this missense variant, however the output from this modeling did not meet the statistical confidence thresholds required to predict the impact of this variant on FAM161A protein function. This variant has not been reported in the literature in individuals affected with FAM161A-related conditions. This variant is not present in population databases (gnomAD no frequency). This sequence change replaces glutamic acid, which is acidic and polar, with glutamine, which is neutral and polar, at codon 481 of the FAM161A protein (p.Glu481Gln).